The following is an entry in ClinVar:

ClinVar aggregate classification (germline): Uncertain significance. Review status: criteria provided, multiple submitters, no conflicts (2 of 4 stars). 4 submissions from 4 submitters: Uncertain significance (4). Last evaluated 2024-11-08.

Conditions:
Maple syrup urine disease (MSUD). Identifiers: Orphanet 511, MedGen C0024776, MeSH D008375, MONDO:0009563. Disease mechanism: loss of function.

Allele frequency attached by ClinVar (database versions not stated): TOPMed 0.00003; gnomAD 0.00005 and 0.00012.
gnomAD v4.1: 121 of 1,611,476 alleles (0.0075%); highest among the groups gnomAD compares: South Asian, 0.068%; 1 homozygote.

Submissions (4):

Blueprint Genetics
Classification: Uncertain significance. Last evaluated: 2024-11-08. Review status: criteria provided, single submitter. Criteria: ACMG Guidelines, 2015. Collection method: clinical testing. Allele origin: germline.

Genome-Nilou Lab
Classification: Uncertain significance for Maple syrup urine disease type 1A. Last evaluated: 2023-04-11. Review status: criteria provided, single submitter. Criteria: ACMG Guidelines, 2015. Collection method: clinical testing. Allele origin: germline. Affected: no.

Labcorp Genetics (formerly Invitae), Labcorp
Classification: Uncertain significance for Maple syrup urine disease. Last evaluated: 2022-08-19. Review status: criteria provided, single submitter. Criteria: Invitae Variant Classification Sherloc (09022015). Collection method: clinical testing. Allele origin: germline.
Comment: This sequence change replaces alanine, which is neutral and non-polar, with threonine, which is neutral and polar, at codon 371 of the DBT protein (p.Ala371Thr). This variant is present in population databases (rs777868718, gnomAD 0.06%). This variant has not been reported in the literature in individuals affected with DBT-related conditions. ClinVar contains an entry for this variant (Variation ID: 291454). Algorithms developed to predict the effect of missense changes on protein structure and function are either unavailable or do not agree on the potential impact of this missense change (SIFT: "Deleterious"; PolyPhen-2: "Probably Damaging"; Align-GVGD: "Class C0"). In summary, the available evidence is currently insufficient to determine the role of this variant in disease. Therefore, it has been classified as a Variant of Uncertain Significance.

Illumina Laboratory Services, Illumina
Classification: Uncertain significance for Maple syrup urine disease type 1A. Last evaluated: 2018-01-13. Review status: criteria provided, single submitter. Criteria: ICSL Variant Classification Criteria 13 December 2019. Collection method: clinical testing. Allele origin: germline.

NM_001918.5(DBT):c.1111G>A (p.Ala371Thr)

Gene: DBT (dihydrolipoamide branched chain transacylase E2; minus strand). Cytogenetic location: 1p21.2.
Variant type: single nucleotide variant.
Coding change: c.1111G>A on transcript NM_001918.5 (MANE Select); coding-DNA position 1111, G replaced by A.
Protein change: p.Ala371Thr; replaces alanine 371 with threonine.
Molecular consequence: missense variant.
Genome position (GRCh38, 1-based): chr1:100,206,543, C>T on the plus strand (G>A on the coding strand, the complement: DBT is on the minus strand). VCF-style: chr1-100206543-C-T. GRCh37 (hg19) VCF-style: chr1-100672099-C-T.
Other names: short protein forms A371T.
Identifiers: ClinVar variation 291454 (VCV000291454.8), dbSNP rs777868718, ClinGen allele CA969569.